The following is an entry in ClinVar:

NM_030665.4(RAI1):c.225C>T (p.Ala75=)

Gene: RAI1 (retinoic acid induced 1; plus strand). Cytogenetic location: 17p11.2.
Variant type: single nucleotide variant.
Coding change: c.225C>T on transcript NM_030665.4 (MANE Select); coding-DNA position 225, C replaced by T.
Protein change: p.Ala75=; no amino-acid change (alanine 75 retained).
Molecular consequence: synonymous variant.
Genome position (GRCh38, 1-based): chr17:17,793,173, C>T. VCF-style: chr17-17793173-C-T. GRCh37 (hg19) VCF-style: chr17-17696487-C-T.
Other names: c.225C>T (NM_030665.3).
Identifiers: ClinVar variation 1598347 (VCV001598347.9), dbSNP rs144981212, ClinGen allele CA8418080.
Genomic context (GRCh38, chr17:17,793,173, plus strand): 5'-TTACCCGAGCTATGAGGGTGGCGCTGGCACGCCCTCTGGCACTGCAGCCGCGGTGGCCGC[C>T]GACAAGTACCACCGAGGCAGCAAGGCCCTGCCCACACAGCAAGGCCTGCAGGGGAGGCCG-3'
Protein context (NP_109590.3, residues 65-85): TPSGTAAAVA[Ala75=]DKYHRGSKAL

ClinVar aggregate classification (germline): Likely benign. Review status: criteria provided, single submitter (1 of 4 stars). 2 submissions from 2 submitters: Likely benign (1). 1 of the submissions does not count toward it. Last evaluated 2024-05-23.

Conditions:
RAI1-related disorder. Also called: RAI1-related condition.

Allele frequency attached by ClinVar (database versions not stated): gnomAD 0.00001 and 0.00002; gnomAD exomes 0.00001; ExAC 0.00003; TOPMed 0.00003; ESP Exome Variant Server 0.00008.
gnomAD v4.1: 13 of 1,613,110 alleles (0.00081%); highest among the groups gnomAD compares: East Asian, 0.0045%; no homozygotes.

Submissions (2):

Labcorp Genetics (formerly Invitae), Labcorp
Classification: Likely benign. Last evaluated: 2024-05-23. Review status: criteria provided, single submitter. Criteria: Invitae Variant Classification Sherloc (09022015). Collection method: clinical testing. Allele origin: germline.

PreventionGenetics, part of Exact Sciences
Classification: Likely benign for RAI1-related condition. Last evaluated: 2023-05-20. Review status: no assertion criteria provided. Collection method: clinical testing. Allele origin: germline. Not counted in ClinVar's aggregate classification.
Comment: This variant is classified as likely benign based on ACMG/AMP sequence variant interpretation guidelines (Richards et al. 2015 PMID: 25741868, with internal and published modifications).